The following is an entry in ClinVar:

NM_005359.6(SMAD4):c.1303A>G (p.Ile435Val)

Gene: SMAD4 (SMAD family member 4; plus strand). Cytogenetic location: 18q21.2.
Variant type: single nucleotide variant.
Coding change: c.1303A>G on transcript NM_005359.6 (MANE Select); coding-DNA position 1303, A replaced by G.
Protein change: p.Ile435Val; replaces isoleucine 435 with valine.
Molecular consequence: missense variant. On other transcripts: non-coding transcript variant (1).
Genome position (GRCh38, 1-based): chr18:51,067,182, A>G. VCF-style: chr18-51067182-A-G. GRCh37 (hg19) VCF-style: chr18-48593552-A-G.
Other names: c.1303A>G, p.Ile435Val (NM_001407041.1, NM_001407042.1); short protein forms I435V.
Identifiers: ClinVar variation 4757696 (VCV004757696.1).

ClinVar aggregate classification (germline): Uncertain significance (1 of 4 stars; one submission).

Conditions:
Hereditary cancer-predisposing syndrome. Also called: Tumor predisposition; Hereditary Cancer Syndrome; Neoplastic Syndromes, Hereditary; Hereditary neoplastic syndrome. Identifiers: Orphanet 140162, MedGen C0027672, MeSH D009386, MONDO:0015356.

gnomAD v4.1: 1 of 1,562,124 alleles (0.000064%); highest among the groups gnomAD compares: Non-Finnish European, 0.000088%; no homozygotes.

Submission:

Color Diagnostics, LLC DBA Color Health
Classification: Uncertain significance for Hereditary cancer-predisposing syndrome. Last evaluated: 2025-07-23. Review status: criteria provided, single submitter. Criteria: ACMG Guidelines, 2015. Collection method: clinical testing. Allele origin: germline.
Comment: This missense variant replaces isoleucine with valine at codon 435 of the SMAD4 protein. Computational prediction suggests that this variant may have deleterious impact on protein structure and function. To our knowledge, functional studies have not been reported for this variant. This variant has not been reported in individuals affected with SMAD4-related disorders in the literature. This variant has not been identified in the general population by the Genome Aggregation Database (gnomAD). The available evidence is insufficient to determine the role of this variant in disease conclusively. Therefore, this variant is classified as a Variant of Uncertain Significance.